The following is an entry in ClinVar:

ClinVar aggregate classification (germline): Pathogenic/Likely pathogenic. Review status: criteria provided, multiple submitters, no conflicts (2 of 4 stars). 5 submissions from 5 submitters: Pathogenic (1); Likely pathogenic (3). 1 of the submissions does not count toward it. Last evaluated 2025-09-08.

Conditions:
Periodontitis, aggressive 1 (PDON1). Also called: PERIODONTITIS, JUVENILE; PERIODONTITIS, PREPUBERTAL. Identifiers: MedGen C4551681, MONDO:0008226, OMIM 170650.
Papillon-Lefèvre syndrome (PALS). Also called: KERATOSIS PALMOPLANTARIS WITH PERIODONTOPATHIA; Papillon-Lefevre Disease. Identifiers: Orphanet 678, MedGen C0030360, MONDO:0009490, OMIM 245000.
Haim-Munk syndrome (HMS). Also called: COCHIN JEWISH DISORDER; KERATOSIS PALMOPLANTARIS WITH PERIODONTOPATHIA AND ONYCHOGRYPOSIS. Identifiers: Orphanet 2342, MedGen C1855627, MONDO:0009491, OMIM 245010.
Periodontitis, aggressive. Identifiers: MedGen C0031106, MONDO:0980757.

Allele frequency attached by ClinVar (database versions not stated): gnomAD exomes below 0.00001.
gnomAD v4.1: 2 of 1,587,862 alleles (0.00013%); highest among the groups gnomAD compares: African/African-American, 0.0027%; no homozygotes.

Submissions (5):

First Genomix Gene Laboratory, Genetic Diagnostics Department
Classification: Likely pathogenic for Haim-Munk syndrome; Papillon-Lefèvre syndrome; Periodontitis, aggressive 1. Last evaluated: 2025-09-08. Review status: criteria provided, single submitter. Criteria: ACMG Guidelines, 2015. Collection method: clinical testing. Allele origin: germline. Inheritance: Autosomal recessive inheritance. Affected: no. Observed: 1 variant allele.

Women's Health and Genetics/Laboratory Corporation of America, LabCorp
Classification: Pathogenic for Papillon-Lefèvre syndrome. Last evaluated: 2025-03-31. Review status: criteria provided, single submitter. Criteria: LabCorp Variant Classification Summary - May 2015. Collection method: clinical testing. Allele origin: germline.
Comment: Variant summary: CTSC c.755A>T (p.Gln252Leu) results in a non-conservative amino acid change in the encoded protein sequence. Five of five in-silico tools predict a damaging effect of the variant on protein function. The variant was absent in 251320 control chromosomes. c.755A>T has been reported in the literature in multiple individuals affected with Papillon-Lefevre syndrome (e.g., Toomes_1999, Hamon_2016, SanchezKlose_2021). These data indicate that the variant is very likely to be associated with disease. To our knowledge, no experimental evidence demonstrating an impact on protein function has been reported. The following publications have been ascertained in the context of this evaluation (PMID: 26607765, 34932608, 10581027). ClinVar contains an entry for this variant (Variation ID: 7291). Based on the evidence outlined above, the variant was classified as pathogenic.

Labcorp Genetics (formerly Invitae), Labcorp
Classification: Likely pathogenic for Haim-Munk syndrome; Periodontitis, aggressive; Papillon-Lefèvre syndrome. Last evaluated: 2024-11-21. Review status: criteria provided, single submitter. Criteria: Invitae Variant Classification Sherloc (09022015). Collection method: clinical testing. Allele origin: germline.
Comment: This sequence change replaces glutamine, which is neutral and polar, with leucine, which is neutral and non-polar, at codon 252 of the CTSC protein (p.Gln252Leu). This variant is not present in population databases (gnomAD no frequency). This missense change has been observed in individuals with Papillon–Lefevre syndrome (PMID: 10581027, 18294227, 34932608; internal data). ClinVar contains an entry for this variant (Variation ID: 7291). An algorithm developed to predict the effect of missense changes on protein structure and function (PolyPhen-2) suggests that this variant is likely to be disruptive. In summary, the currently available evidence indicates that the variant is pathogenic, but additional data are needed to prove that conclusively. Therefore, this variant has been classified as Likely Pathogenic.

GeneDx
Classification: Likely pathogenic. Last evaluated: 2017-04-05. Review status: criteria provided, single submitter. Criteria: GeneDx Variant Classification (06012015). Collection method: clinical testing. Allele origin: germline. Affected: yes.
Comment: The Q252L likely pathogenic variant in the CTSC gene has been reported previously in the homozygous state in association with Papillon-Lefevre syndrome (Toomes et al., 1999; Schacher et al., 2006; Noack et al., 2008). The variant is not observed in large population cohorts (Lek et al., 2016; 1000 Genomes Consortium et al., 2015; Exome Variant Server). Q252L is a non-conservative amino acid substitution, which is likely to impact secondary protein structure as these residues differ in polarity, charge, size and/or other properties. This substitution occurs at a position that is conserved across species, and in silico analysis predicts this variant is probably damaging to the protein structure/function. In summary, we consider this variant to be likely pathogenic.

OMIM
Classification: Pathogenic for PAPILLON-LEFEVRE SYNDROME. Last evaluated: 1999-12-01. Review status: no assertion criteria provided. Collection method: literature only. Allele origin: germline. Not counted in ClinVar's aggregate classification.

Literature cited by the submitters: PubMed 26607765 (cited by Women's Health and Genetics/Laboratory Corporation of America, LabCorp); PubMed 34932608 (cited by Women's Health and Genetics/Laboratory Corporation of America, LabCorp and Labcorp Genetics (formerly Invitae), Labcorp); PubMed 10581027 (cited by 3 submitters); PubMed 18294227 (cited by Labcorp Genetics (formerly Invitae), Labcorp).

NM_001814.6(CTSC):c.755A>T (p.Gln252Leu)

Gene: CTSC (cathepsin C; minus strand). Cytogenetic location: 11q14.2.
Variant type: single nucleotide variant.
Coding change: c.755A>T on transcript NM_001814.6 (MANE Select); coding-DNA position 755, A replaced by T.
Protein change: p.Gln252Leu; replaces glutamine 252 with leucine.
Molecular consequence: missense variant.
Genome position (GRCh38, 1-based): chr11:88,300,532, T>A on the plus strand (A>T on the coding strand, the complement: CTSC is on the minus strand). VCF-style: chr11-88300532-T-A. GRCh37 (hg19) VCF-style: chr11-88033700-T-A.
Other names: c.755A>T, p.Gln252Leu (LRG_50t1); short protein forms Q252L.
Identifiers: ClinVar variation 7291 (VCV000007291.6), dbSNP rs104894207, ClinGen allele CA118676.